The following is an entry in ClinVar:

NM_001042492.3(NF1):c.2464G>T (p.Gly822Ter)

Gene: NF1 (neurofibromin 1; plus strand). Cytogenetic location: 17q11.2.
Variant type: single nucleotide variant.
Coding change: c.2464G>T on transcript NM_001042492.3 (MANE Select); coding-DNA position 2464, G replaced by T.
Protein change: p.Gly822Ter; replaces glycine 822 with a stop codon.
Molecular consequence: nonsense.
Genome position (GRCh38, 1-based): chr17:31,229,079, G>T. VCF-style: chr17-31229079-G-T. GRCh37 (hg19) VCF-style: chr17-29556097-G-T.
Other names: c.2464G>T, p.Gly822Ter (NM_000267.4); short protein forms G822*.
Identifiers: ClinVar variation 946222 (VCV000946222.6), dbSNP rs2067065463, ClinGen allele CA398983974.

ClinVar aggregate classification (germline): Pathogenic (1 of 4 stars; one submission).

Conditions:
Neurofibromatosis, type 1 (NF1). Also called: Peripheral type neurofibromatosis; Neurofibromatosis, type I; VON RECKLINGHAUSEN DISEASE; NEUROFIBROMATOSIS, TYPE I, SOMATIC. Identifiers: Orphanet 636, MedGen C0027831, MONDO:0018975, OMIM 162200. Disease mechanism: loss of function.

Submission:

Labcorp Genetics (formerly Invitae), Labcorp
Classification: Pathogenic for Neurofibromatosis, type 1. Last evaluated: 2019-03-29. Review status: criteria provided, single submitter. Criteria: Invitae Variant Classification Sherloc (09022015). Collection method: clinical testing. Allele origin: germline.
Comment: This sequence change creates a premature translational stop signal (p.Gly822*) in the NF1 gene. It is expected to result in an absent or disrupted protein product. For these reasons, this variant has been classified as Pathogenic. Loss-of-function variants in NF1 are known to be pathogenic (PMID: 10712197, 23913538). This variant has been observed in an individual affected with neurofibromatosis, type 1 (PMID: 17426081). This variant is not present in population databases (ExAC no frequency).

Literature cited by the submitters: PubMed 10712197; PubMed 23913538; PubMed 17426081.